The following is an entry in ClinVar:

ClinVar aggregate classification (germline): Uncertain significance (1 of 4 stars; one submission).

Submission:

GeneDx
Classification: Uncertain significance. Last evaluated: 2023-02-06. Review status: criteria provided, single submitter. Criteria: GeneDx Variant Classification Process June 2021. Collection method: clinical testing. Allele origin: germline. Affected: yes.
Comment: Not observed at significant frequency in large population cohorts (gnomAD); In silico analysis supports a deleterious effect on protein structure/function; Has not been previously published as pathogenic or benign to our knowledge

NM_013275.6(ANKRD11):c.7033_7034delinsAT (p.Ala2345Met)

Gene: ANKRD11 (ankyrin repeat domain containing 11; minus strand). Cytogenetic location: 16q24.3.
Variant type: Indel.
Coding change: c.7033_7034delinsAT on transcript NM_013275.6 (MANE Select); coding-DNA positions 7033 to 7034, GC replaced by AT.
Protein change: p.Ala2345Met; replaces alanine 2345 with methionine.
Molecular consequence: missense variant.
Genome position (GRCh38, 1-based): chr16:89,279,508-89,279,509, GC replaced by AT on the plus strand (GC replaced by AT on the coding strand, the reverse complement: ANKRD11 is on the minus strand). VCF-style: chr16-89279508-GC-AT. GRCh37 (hg19) VCF-style: chr16-89345916-GC-AT.
Other names: c.7033_7034delinsAT, p.Ala2345Met (NM_001256182.2, NM_001256183.2); short protein forms A2345M.
Identifiers: ClinVar variation 2574917 (VCV002574917.1), dbSNP rs2544219666, ClinGen allele CA2580613927.